The following is an entry in ClinVar:

NM_001519.4(BRF1):c.927C>T (p.Val309=)

Gene: BRF1 (BRF1 general transcription factor IIIB subunit; minus strand). Cytogenetic location: 14q32.33.
Variant type: single nucleotide variant.
Coding change: c.927C>T on transcript NM_001519.4 (MANE Select); coding-DNA position 927, C replaced by T.
Protein change: p.Val309=; no amino-acid change (valine 309 retained).
Molecular consequence: synonymous variant.
Genome position (GRCh38, 1-based): chr14:105,226,279, G>A on the plus strand (C>T on the coding strand, the complement: BRF1 is on the minus strand). VCF-style: chr14-105226279-G-A. GRCh37 (hg19) VCF-style: chr14-105692616-G-A.
Other names: c.582C>T, p.Val194= (NM_001242786.2, NM_001242787.2); c.846C>T, p.Val282= (NM_001242788.2); c.213C>T, p.Val71= (NM_001242789.2); c.315C>T, p.Val105= (NM_145685.3).
Identifiers: ClinVar variation 708602 (VCV000708602.40), dbSNP rs117732489, ClinGen allele CA7387366.

ClinVar aggregate classification (germline): Benign/Likely benign. Review status: criteria provided, multiple submitters, no conflicts (2 of 4 stars). 4 submissions from 4 submitters: Benign (1); Likely benign (3). Last evaluated 2026-09-01.

Allele frequency attached by ClinVar (database versions not stated): 1000 Genomes Project 0.00300; ExAC 0.00316; 1000 Genomes Project 30x 0.00328; gnomAD exomes 0.00368; TOPMed 0.00422; gnomAD 0.00424 and 0.00430; ESP Exome Variant Server 0.00477.

Submissions (4):

CeGaT Center for Human Genetics Tuebingen
Classification: Likely benign. Last evaluated: 2026-09-01. Review status: criteria provided, single submitter. Criteria: CeGaT Center For Human Genetics Tuebingen Variant Classification Criteria Version 2. Collection method: clinical testing. Allele origin: germline. Affected: yes. Observed: 19 variant alleles.
Comment: BRF1: BP4, BP7, BS2

Blueprint Genetics
Classification: Likely benign. Last evaluated: 2024-11-26. Review status: criteria provided, single submitter. Criteria: ACMG Guidelines, 2015. Collection method: clinical testing. Allele origin: germline.

Labcorp Genetics (formerly Invitae), Labcorp
Classification: Benign. Last evaluated: 2019-12-31. Review status: criteria provided, single submitter. Criteria: Invitae Variant Classification Sherloc (09022015). Collection method: clinical testing. Allele origin: germline.

Breakthrough Genomics
Classification: Likely benign. Review status: criteria provided, single submitter. Criteria: ACMG Guidelines, 2015. Collection method: not provided. Allele origin: germline. Inheritance: Autosomal recessive inheritance. Affected: yes.